The following is an entry in ClinVar:

NC_000011.9:g.(?_108186540)_(108188258_?)del

Gene: ATM (ATM serine/threonine kinase; plus strand). Cytogenetic location: 11q22.3.
Variant type: Deletion.
Identifiers: ClinVar variation 1407289 (VCV001407289.6).

ClinVar aggregate classification (germline): Pathogenic (1 of 4 stars; one submission).

Conditions:
Ataxia-telangiectasia syndrome (AT). Also called: Ataxia-telangiectasia, complementation group D; AT, COMPLEMENTATION GROUP C; Ataxia-telangiectasia; Ataxia telangiectasia (A-T); Ataxia-telangiectasia, complementation group E; Cerebello-oculocutaneous telangiectasia. Identifiers: Orphanet 100, MedGen C0004135, MONDO:0008840, OMIM 208900.

Submission:

Labcorp Genetics (formerly Invitae), Labcorp
Classification: Pathogenic for Ataxia-telangiectasia syndrome. Last evaluated: 2022-04-08. Review status: criteria provided, single submitter. Criteria: Invitae Variant Classification Sherloc (09022015). Collection method: clinical testing. Allele origin: germline.
Comment: This variant is a gross deletion of the genomic region encompassing exon(s) 41-43 of the ATM gene. This deletion is out-of-frame, and is expected to create a premature termination codon and result in an absent or disrupted protein product. Loss-of-function variants in ATM are known to be pathogenic (PMID: 23807571, 25614872). This variant has not been reported in the literature in individuals affected with ATM-related conditions. For these reasons, this variant has been classified as Pathogenic.

Literature cited by the submitters: PubMed 23807571; PubMed 25614872.